The following is an entry in ClinVar:

NM_020937.4(FANCM):c.2716A>T (p.Ile906Phe)

Gene: FANCM (FA complementation group M; plus strand). Cytogenetic location: 14q21.2.
Variant type: single nucleotide variant.
Coding change: c.2716A>T on transcript NM_020937.4 (MANE Select); coding-DNA position 2716, A replaced by T.
Protein change: p.Ile906Phe; replaces isoleucine 906 with phenylalanine.
Molecular consequence: missense variant.
Genome position (GRCh38, 1-based): chr14:45,175,470, A>T. VCF-style: chr14-45175470-A-T. GRCh37 (hg19) VCF-style: chr14-45644673-A-T.
Other names: c.2716A>T (NM_020937.3); c.2638A>T, p.Ile880Phe (NM_001308133.2); short protein forms I880F, I906F.
Identifiers: ClinVar variation 943851 (VCV000943851.18), dbSNP rs773837264, ClinGen allele CA7169395.
Genomic context (GRCh38, chr14:45,175,470, plus strand): 5'-GTTGAAAATATTTTTCAAGAAGACCTACCAAATGATAAAAGGACATCAGATACAGATGAA[A>T]TTGCTGCCACATGTACTATTAATGAAAATGTTATTAAAGAACCGTGTGTGTTATTAACAG-3'
Protein context (NP_065988.1, residues 896-916): NDKRTSDTDE[Ile906Phe]AATCTINENV

ClinVar aggregate classification (germline): Uncertain significance. Review status: criteria provided, multiple submitters, no conflicts (2 of 4 stars). 6 submissions from 6 submitters: Uncertain significance (6). Last evaluated 2025-10-20.

Conditions:
Hereditary cancer-predisposing syndrome. Also called: Neoplastic Syndromes, Hereditary; Hereditary Cancer Syndrome; Tumor predisposition; Hereditary neoplastic syndrome. Identifiers: Orphanet 140162, MedGen C0027672, MeSH D009386, MONDO:0015356.
FANCM-related disorder. Also called: FANCM-related condition.
Spermatogenic failure 28. Identifiers: MedGen C4748117, MONDO:0054732, OMIM 618086.
Premature ovarian failure 15. Identifiers: MedGen C4748170, MONDO:0054862, OMIM 618096.
Fanconi anemia (FA). Also called: Fanconi's anemia. Identifiers: Orphanet 84, MedGen C0015625, MeSH D005199, MONDO:0019391.

Allele frequency attached by ClinVar (database versions not stated): ExAC 0.00001; gnomAD exomes 0.00002 and 0.00008; gnomAD 0.00007; TOPMed 0.00009.
gnomAD v4.1: 126 of 1,608,838 alleles (0.0078%); highest among the groups gnomAD compares: Non-Finnish European, 0.0099%; no homozygotes.

Submissions (6):

PreventionGenetics, part of Exact Sciences
Classification: Uncertain significance for FANCM-related condition. Last evaluated: 2025-10-20. Review status: criteria provided, single submitter. Criteria: ACMG Guidelines, 2015. Collection method: clinical testing. Allele origin: germline.
Comment: The FANCM c.2716A>T variant is predicted to result in the amino acid substitution p.Ile906Phe. This variant has been reported in an individual with ovarian cancer (Table S7, Dicks et al. 2017. PubMed ID: 28881617). This variant is reported in 0.0063% of alleles in individuals of European (Non-Finnish) descent in gnomAD. At this time, the clinical significance of this variant is uncertain due to the absence of conclusive functional and genetic evidence.

Labcorp Genetics (formerly Invitae), Labcorp
Classification: Uncertain significance for Fanconi anemia. Last evaluated: 2025-08-18. Review status: criteria provided, single submitter. Criteria: Invitae Variant Classification Sherloc (09022015). Collection method: clinical testing. Allele origin: germline.
Comment: This sequence change replaces isoleucine, which is neutral and non-polar, with phenylalanine, which is neutral and non-polar, at codon 906 of the FANCM protein (p.Ile906Phe). This variant is present in population databases (rs773837264, gnomAD 0.006%). This variant has not been reported in the literature in individuals affected with FANCM-related conditions. ClinVar contains an entry for this variant (Variation ID: 943851). An algorithm developed to predict the effect of missense changes on protein structure and function (PolyPhen-2) suggests that this variant is likely to be tolerated. In summary, the available evidence is currently insufficient to determine the role of this variant in disease. Therefore, it has been classified as a Variant of Uncertain Significance.

GeneDx
Classification: Uncertain significance. Last evaluated: 2025-03-13. Review status: criteria provided, single submitter. Criteria: GeneDx Variant Classification Process June 2021. Collection method: clinical testing. Allele origin: germline. Affected: yes.
Comment: Not observed at significant frequency in large population cohorts (gnomAD); In silico analysis indicates that this missense variant does not alter protein structure/function; Observed in individuals with breast or ovarian cancer (PMID: 28881617, 33471991); This variant is associated with the following publications: (PMID: 33471991, 28881617)

Quest Diagnostics Nichols Institute San Juan Capistrano
Classification: Uncertain significance. Last evaluated: 2025-02-20. Review status: criteria provided, single submitter. Criteria: Quest Diagnostics criteria. Collection method: clinical testing. Allele origin: unknown.
Comment: The FANCM c.2716A>T (p.Ile906Phe) variant has been reported in the published literature in individuals with breast cancer (PMID: 36707629 (2023), 33471991 (2021), see also LOVD, an individual with ovarian cancer and a reportedly healthy control (PMID: 28881617 (2017)). The frequency of this variant in the general population (Genome Aggregation Database) is uninformative in the assessment of its pathogenicity. Analysis of this variant using bioinformatics tools for the prediction of the effect of amino acid changes on protein structure and function yielded predictions that this variant is benign. Based on the available information, we are unable to determine the clinical significance of this variant.

Fulgent Genetics
Classification: Uncertain significance for Spermatogenic failure 28; Premature ovarian failure 15. Last evaluated: 2022-02-02. Review status: criteria provided, single submitter. Criteria: ACMG Guidelines, 2015. Collection method: clinical testing. Allele origin: unknown.

Sema4
Classification: Uncertain significance for Hereditary cancer-predisposing syndrome. Last evaluated: 2021-10-12. Review status: criteria provided, single submitter. Criteria: Sema4 Curation Guidelines. Collection method: curation. Allele origin: germline.
Comment: The FANCM c.2716A>T (p.I906F) variant has been reported in individuals with ovarian cancer and breast cancer (PMID: 28881617, 33471991). It was observed in 8/127744 chromosomes of the Non-Finnish European subpopulation in the Genome Aggregation Database (PMID: 32461654). The variant has been reported in ClinVar (Variation ID 943851). In silico tools suggest the impact of the variant on protein function is benign, though these predictions have not been confirmed by functional studies. The evidence is insufficient to meet ACMG/AMP criteria for classifying the variant as benign or pathogenic. Thus, the clinical significance of this variant is currently uncertain.

Literature cited by the submitters: PubMed 39461343 (cited by Quest Diagnostics Nichols Institute San Juan Capistrano); PubMed 37349538 (cited by Quest Diagnostics Nichols Institute San Juan Capistrano); PubMed 28881617 (cited by Quest Diagnostics Nichols Institute San Juan Capistrano and Sema4); PubMed 33471991 (cited by Quest Diagnostics Nichols Institute San Juan Capistrano and Sema4); PubMed 36707629 (cited by Quest Diagnostics Nichols Institute San Juan Capistrano).